The following is an entry in ClinVar:

NM_031407.7(HUWE1):c.5669A>G (p.Asn1890Ser)

Gene: HUWE1 (HECT, UBA and WWE domain containing E3 ubiquitin protein ligase 1; minus strand). Cytogenetic location: Xp11.22.
Variant type: single nucleotide variant.
Coding change: c.5669A>G on transcript NM_031407.7 (MANE Select); coding-DNA position 5669, A replaced by G.
Protein change: p.Asn1890Ser; replaces asparagine 1890 with serine.
Molecular consequence: missense variant.
Genome position (GRCh38, 1-based): chrX:53,580,878, T>C on the plus strand (A>G on the coding strand, the complement: HUWE1 is on the minus strand). VCF-style: chrX-53580878-T-C. GRCh37 (hg19) VCF-style: chrX-53607838-T-C.
Other names: short protein forms N1890S.
Identifiers: ClinVar variation 2500545 (VCV002500545.2), dbSNP rs2063584045, ClinGen allele CA413173073.

ClinVar aggregate classification (germline): Uncertain significance (1 of 4 stars; one submission).

Allele frequency attached by ClinVar (database versions not stated): gnomAD 0.00001; gnomAD exomes 0.00001; TOPMed 0.00001.
gnomAD v4.1: 8 of 1,209,784 alleles (0.00066%); highest among the groups gnomAD compares: Non-Finnish European, 0.00089%; no homozygotes.

Submission:

GeneDx
Classification: Uncertain significance. Last evaluated: 2026-05-03. Review status: criteria provided, single submitter. Criteria: GeneDx Variant Classification Process June 2021. Collection method: clinical testing. Allele origin: germline.
Comment: Not observed at significant frequency in large population cohorts (gnomAD); In silico analysis suggests that this missense variant does not alter protein structure/function; Has not been previously published as pathogenic or benign to our knowledge